The following is an entry in ClinVar:

NM_003482.4(KMT2D):c.6085C>T (p.Pro2029Ser)

Gene: KMT2D (lysine methyltransferase 2D; minus strand). Cytogenetic location: 12q13.12.
Variant type: single nucleotide variant.
Coding change: c.6085C>T on transcript NM_003482.4 (MANE Select); coding-DNA position 6085, C replaced by T.
Protein change: p.Pro2029Ser; replaces proline 2029 with serine.
Molecular consequence: missense variant.
Genome position (GRCh38, 1-based): chr12:49,042,113, G>A on the plus strand (C>T on the coding strand, the complement: KMT2D is on the minus strand). VCF-style: chr12-49042113-G-A. GRCh37 (hg19) VCF-style: chr12-49435896-G-A.
Other names: short protein forms P2029S.
Identifiers: ClinVar variation 1463427 (VCV001463427.8), dbSNP rs2120552959, ClinGen allele CA384626712.
Genomic context (GRCh38, chr12:49,042,113, plus strand): 5'-GCCAGGCTGTCTCCCTTGCCCTCATCCCACAGGTACCTGGGTAGTCTTGCTTGAGATTAG[G>A]AAAATTAATGTTGGCATAGAGCACAGGTGAGATGGTGGACAGCTGGCCCAACTCCTCATC-3'
Protein context (NP_003473.3, residues 2019-2039): SPVLYANINF[Pro2029Ser]NLKQDYPDWS

ClinVar aggregate classification (germline): Uncertain significance (1 of 4 stars; one submission).

Conditions:
Kabuki syndrome. Also called: Kabuki make-up syndrome; NIIKAWA-KUROKI SYNDROME. Identifiers: Orphanet 2322, MedGen C0796004, MONDO:0016512.

Submission:

Labcorp Genetics (formerly Invitae), Labcorp
Classification: Uncertain significance for Kabuki syndrome. Last evaluated: 2024-02-24. Review status: criteria provided, single submitter. Criteria: Invitae Variant Classification Sherloc (09022015). Collection method: clinical testing. Allele origin: germline.
Comment: This sequence change replaces proline, which is neutral and non-polar, with serine, which is neutral and polar, at codon 2029 of the KMT2D protein (p.Pro2029Ser). This variant is not present in population databases (gnomAD no frequency). This variant has not been reported in the literature in individuals affected with KMT2D-related conditions. ClinVar contains an entry for this variant (Variation ID: 1463427). Advanced modeling of protein sequence and biophysical properties (such as structural, functional, and spatial information, amino acid conservation, physicochemical variation, residue mobility, and thermodynamic stability) performed at Invitae indicates that this missense variant is expected to disrupt KMT2D protein function with a positive predictive value of 80%. In summary, the available evidence is currently insufficient to determine the role of this variant in disease. Therefore, it has been classified as a Variant of Uncertain Significance.